The following is an entry in ClinVar:

NM_002519.3(NPAT):c.1197G>C (p.Leu399Phe)

Gene: NPAT (nuclear protein, coactivator of histone transcription; minus strand). Cytogenetic location: 11q22.3.
Variant type: single nucleotide variant.
Coding change: c.1197G>C on transcript NM_002519.3 (MANE Select); coding-DNA position 1197, G replaced by C.
Protein change: p.Leu399Phe; replaces leucine 399 with phenylalanine.
Molecular consequence: missense variant.
Genome position (GRCh38, 1-based): chr11:108,173,787, C>G on the plus strand (G>C on the coding strand, the complement: NPAT is on the minus strand). VCF-style: chr11-108173787-C-G. GRCh37 (hg19) VCF-style: chr11-108044514-C-G.
Other names: c.1197G>C, p.Leu399Phe (NM_001321307.1); short protein forms L399F.
Identifiers: ClinVar variation 1746380 (VCV001746380.2), dbSNP rs187998789, ClinGen allele CA382516056.

ClinVar aggregate classification (germline): Uncertain significance (1 of 4 stars; one submission).

Allele frequency attached by ClinVar (database versions not stated): TOPMed below 0.00001; gnomAD 0.00001.
gnomAD v4.1: 2 of 1,614,020 alleles (0.00012%); highest among the groups gnomAD compares: East Asian, 0.0022%; no homozygotes.

Submission:

Ambry Genetics
Classification: Uncertain significance. Last evaluated: 2021-11-22. Review status: criteria provided, single submitter. Criteria: Ambry Variant Classification Scheme 2023. Collection method: clinical testing. Allele origin: germline.
Comment: The p.L399F variant (also known as c.1197G>C), located in coding exon 13 of the NPAT gene, results from a G to C substitution at nucleotide position 1197. The leucine at codon 399 is replaced by phenylalanine, an amino acid with highly similar properties. This amino acid position is conserved. In addition, this alteration is predicted to be tolerated by in silico analysis. Since supporting evidence is limited at this time, the clinical significance of this alteration remains unclear.